The following is an entry in ClinVar:

ClinVar aggregate classification (germline): Uncertain significance. Review status: criteria provided, multiple submitters, no conflicts (2 of 4 stars). 3 submissions from 3 submitters: Uncertain significance (3). Last evaluated 2024-06-07.

Conditions:
Inborn genetic diseases. Identifiers: MedGen C0950123, MeSH D030342.
Isolated microphthalmia 5. Also called: Posterior Microphthalmia with Retinitis Pigmentosa, Foveoschisis, and Optic Disc Drusen. Identifiers: Orphanet 251279, MedGen C1970236, MONDO:0012605, OMIM 611040.

gnomAD v4.1: 8 of 1,613,908 alleles (0.0005%); highest among the groups gnomAD compares: Admixed American, 0.0017%; no homozygotes.

Submissions (3):

Ambry Genetics
Classification: Uncertain significance for Inborn genetic diseases. Last evaluated: 2024-06-07. Review status: criteria provided, single submitter. Criteria: Ambry Variant Classification Scheme 2023. Collection method: clinical testing. Allele origin: germline.

Labcorp Genetics (formerly Invitae), Labcorp
Classification: Uncertain significance for Isolated microphthalmia 5. Last evaluated: 2022-07-27. Review status: criteria provided, single submitter. Criteria: Invitae Variant Classification Sherloc (09022015). Collection method: clinical testing. Allele origin: germline.
Comment: In summary, the available evidence is currently insufficient to determine the role of this variant in disease. Therefore, it has been classified as a Variant of Uncertain Significance. Algorithms developed to predict the effect of sequence changes on RNA splicing suggest that this variant may disrupt the consensus splice site. Algorithms developed to predict the effect of missense changes on protein structure and function (SIFT, PolyPhen-2, Align-GVGD) all suggest that this variant is likely to be disruptive. This variant has not been reported in the literature in individuals affected with MFRP-related conditions. This variant is present in population databases (rs201553042, gnomAD 0.002%). This sequence change replaces proline, which is neutral and non-polar, with alanine, which is neutral and non-polar, at codon 165 of the MFRP protein (p.Pro165Ala).

Blueprint Genetics
Classification: Uncertain significance. Last evaluated: 2022-03-23. Review status: criteria provided, single submitter. Criteria: ACMG Guidelines, 2015. Collection method: clinical testing. Allele origin: germline.

NM_031433.4(MFRP):c.493C>G (p.Pro165Ala)

Genes: C1QTNF5 (C1q and TNF related 5; minus strand), MFRP (membrane frizzled-related protein; minus strand). Cytogenetic location: 11q23.3.
Variant type: single nucleotide variant.
Coding change: c.493C>G on transcript NM_031433.4 (MANE Select); coding-DNA position 493, C replaced by G.
Protein change: p.Pro165Ala; replaces proline 165 with alanine.
Molecular consequence: missense variant. On other transcripts: 5 prime UTR variant (1).
Genome position (GRCh38, 1-based): chr11:119,345,568, G>C on the plus strand (C>G on the coding strand, the complement: MFRP is on the minus strand). VCF-style: chr11-119345568-G-C. GRCh37 (hg19) VCF-style: chr11-119216278-G-C.
Other names: c.-2144C>G (NM_015645.5); short protein forms P165A.
Identifiers: ClinVar variation 1992815 (VCV001992815.6), dbSNP rs201553042, ClinGen allele CA6320534.
Genomic context (GRCh38, chr11:119,345,568, plus strand): 5'-TGAGCTGTATTGCATGGTCTGTGGCCACCTGGATATGCCACACGCAGTGGGTGTTGGGGG[G>C]GTAAGGGTCTGGGTAGTTAGGGCTGCTGAAGAAGCCCCTTGGGCCAGAGAGGAGGCCTCC-3'
Protein context (NP_113621.1, residues 155-175): FSSPNYPDPY[Pro165Ala]PNTHCVWHIQ